The following is an entry in ClinVar:

NM_001543.5(NDST1):c.1918T>C (p.Phe640Leu)

Gene: NDST1 (N-deacetylase and N-sulfotransferase 1; plus strand). Cytogenetic location: 5q33.1.
Variant type: single nucleotide variant.
Coding change: c.1918T>C on transcript NM_001543.5 (MANE Select); coding-DNA position 1918, T replaced by C.
Protein change: p.Phe640Leu; replaces phenylalanine 640 with leucine.
Molecular consequence: missense variant.
Genome position (GRCh38, 1-based): chr5:150,542,919, T>C. VCF-style: chr5-150542919-T-C. GRCh37 (hg19) VCF-style: chr5-149922481-T-C.
Other names: c.1918T>C, p.Phe640Leu (NM_001301063.2); short protein forms F640L.
Identifiers: ClinVar variation 161411 (VCV000161411.3), dbSNP rs606231458, ClinGen allele CA174007.

ClinVar aggregate classification (germline): Likely pathogenic. Review status: criteria provided, single submitter (1 of 4 stars). 2 submissions from 2 submitters: Likely pathogenic (1). 1 of the submissions does not count toward it. Last evaluated 2020-03-01.

Conditions:
Intellectual developmental disorder, autosomal recessive 46. Also called: Intellectual disability, autosomal recessive 46. Identifiers: Orphanet 88616, MedGen C4015283, MONDO:0014499, OMIM 616116.

Submissions (2):

Institute of Human Genetics, University of Leipzig Medical Center
Classification: Likely pathogenic for Intellectual developmental disorder, autosomal recessive 46. Last evaluated: 2020-03-01. Review status: criteria provided, single submitter. Criteria: ACMG Guidelines, 2015. Collection method: clinical testing. Allele origin: biparental. Inheritance: Autosomal recessive inheritance. Affected: yes.
Comment: Review of the variants reported in Reuter et al., 2017, PMID: 28097321: PM1,PM2,PM3_Supporting,PP3

OMIM
Classification: Pathogenic for INTELLECTUAL DEVELOPMENTAL DISORDER, AUTOSOMAL RECESSIVE 46. Last evaluated: 2014-11-01. Review status: no assertion criteria provided. Collection method: literature only. Allele origin: germline. Not counted in ClinVar's aggregate classification.

Literature cited by the submitters: PubMed 25125150 (cited by OMIM).